The following is an entry in ClinVar:

NM_000256.3(MYBPC3):c.871G>A (p.Gly291Arg)

Gene: MYBPC3 (myosin binding protein C3; minus strand). Cytogenetic location: 11p11.2.
Variant type: single nucleotide variant.
Coding change: c.871G>A on transcript NM_000256.3 (MANE Select); coding-DNA position 871, G replaced by A.
Protein change: p.Gly291Arg; replaces glycine 291 with arginine.
Molecular consequence: missense variant.
Genome position (GRCh38, 1-based): chr11:47,347,460, C>T on the plus strand (G>A on the coding strand, the complement: MYBPC3 is on the minus strand). VCF-style: chr11-47347460-C-T. GRCh37 (hg19) VCF-style: chr11-47369011-C-T.
Other names: short protein forms G291R.
Identifiers: ClinVar variation 926318 (VCV000926318.6), dbSNP rs2095895406, ClinGen allele CA380333322.

ClinVar aggregate classification (germline): Uncertain significance. Review status: criteria provided, multiple submitters, no conflicts (2 of 4 stars). 2 submissions from 2 submitters: Uncertain significance (2). Last evaluated 2023-10-06.

Conditions:
Cardiomyopathy (CMYO). Also called: Cardiomyopathies. Identifiers: Orphanet 167848, MedGen C0878544, MONDO:0004994, HP:0001638. Inheritance: Various modes of inheritance.
Hypertrophic cardiomyopathy. Also called: HYPERTROPHIC MYOCARDIOPATHY. Identifiers: Orphanet 217569, MedGen C0007194, MeSH D002312, MONDO:0005045, HP:0001639.

Submissions (2):

All of Us Research Program, National Institutes of Health
Classification: Uncertain significance for Hypertrophic cardiomyopathy. Last evaluated: 2023-10-06. Review status: criteria provided, single submitter. Criteria: ACMG Guidelines, 2015. Collection method: clinical testing. Allele origin: germline. Inheritance: Autosomal dominant inheritance. Observed: 1 variant allele, 1 heterozygote.
Comment: This missense variant replaces glycine with arginine at codon 291 of the MYBPC3 protein. Computational prediction suggests that this variant may not impact protein structure and function (internally defined REVEL score threshold <= 0.5, PMID: 27666373). Splice site prediction tools suggest that this variant may not impact RNA splicing. To our knowledge, functional studies have not been performed for this variant. This variant has not been reported in individuals affected with cardiovascular disorders in the literature. This variant has not been identified in the general population by the Genome Aggregation Database (gnomAD). The available evidence is insufficient to determine the role of this variant in disease conclusively. Therefore, this variant is classified as a Variant of Uncertain Significance.

This study involves interpretation of variants in research participants for the purpose of population health screening. Participant phenotype was not available at the time of variant classification. Additional details can be found in publication PMID: 35346344, PMCID: PMC8962531

Color Diagnostics, LLC DBA Color Health
Classification: Uncertain significance for Cardiomyopathy. Last evaluated: 2023-09-28. Review status: criteria provided, single submitter. Criteria: ACMG Guidelines, 2015. Collection method: clinical testing. Allele origin: germline.
Comment: This missense variant replaces glycine with arginine at codon 291 of the MYBPC3 protein. Computational prediction suggests that this variant may not impact protein structure and function (internally defined REVEL score threshold <= 0.5, PMID: 27666373). To our knowledge, functional studies have not been reported for this variant. This variant has not been reported in individuals affected with MYBPC3-related disorders in the literature. This variant has not been identified in the general population by the Genome Aggregation Database (gnomAD). The available evidence is insufficient to determine the role of this variant in disease conclusively. Therefore, this variant is classified as a Variant of Uncertain Significance.